The following is an entry in ClinVar:

ClinVar aggregate classification (germline): Pathogenic (1 of 4 stars; one submission).

Conditions:
Charcot-Marie-Tooth disease type 4A. Also called: Charcot-Marie-Tooth disease, demyelinating, autosomal recessive, type 4a. Identifiers: Orphanet 99948, MedGen C1859198, MONDO:0008961, OMIM 214400.

Submission:

Labcorp Genetics (formerly Invitae), Labcorp
Classification: Pathogenic for Charcot-Marie-Tooth disease type 4A. Last evaluated: 2024-07-23. Review status: criteria provided, single submitter. Criteria: Invitae Variant Classification Sherloc (09022015). Collection method: clinical testing. Allele origin: germline.
Comment: This sequence change creates a premature translational stop signal (p.Gln235*) in the GDAP1 gene. While this is not anticipated to result in nonsense mediated decay, it is expected to disrupt the last 124 amino acid(s) of the GDAP1 protein. This variant is not present in population databases (gnomAD no frequency). This premature translational stop signal has been observed in individuals with Charcot-Marie-Tooth disease (PMID: 28751717). ClinVar contains an entry for this variant (Variation ID: 467768). Algorithms developed to predict the effect of sequence changes on RNA splicing suggest that this variant may disrupt the consensus splice site. This variant disrupts a region of the GDAP1 protein in which other variant(s) (p.Phe263Leufs*22) have been determined to be pathogenic (PMID: 12499475). This suggests that this is a clinically significant region of the protein, and that variants that disrupt it are likely to be disease-causing. For these reasons, this variant has been classified as Pathogenic.

Literature cited by the submitters: PubMed 28751717; PubMed 12499475.

NM_018972.4(GDAP1):c.703C>T (p.Gln235Ter)

Gene: GDAP1 (ganglioside induced differentiation associated protein 1; plus strand). Cytogenetic location: 8q21.11.
Variant type: single nucleotide variant.
Coding change: c.703C>T on transcript NM_018972.4 (MANE Select); coding-DNA position 703, C replaced by T.
Protein change: p.Gln235Ter; replaces glutamine 235 with a stop codon.
Molecular consequence: nonsense. On other transcripts: intron variant (1).
Genome position (GRCh38, 1-based): chr8:74,363,993, C>T. VCF-style: chr8-74363993-C-T. GRCh37 (hg19) VCF-style: chr8-75276228-C-T.
Other names: c.499C>T, p.Gln167Ter (NM_001040875.4); c.376C>T, p.Gln126Ter (NM_001362929.2, NM_001362932.2); c.529C>T, p.Gln177Ter (NM_001362930.2); c.694+940C>T (NM_001362931.2); short protein forms Q235*, Q177*, Q126*, Q167*.
Identifiers: ClinVar variation 467768 (VCV000467768.11), dbSNP rs1554548334, ClinGen allele CA371549833.
Genomic context (GRCh38, chr8:74,363,993, plus strand): 5'-TCTGTCTGTAGAGTGCTTGCCTCTAATTCTCTATGTCCCTTTCTCTAATTAGAAGAGGGC[C>T]AGCAACCTTGGCTCTGCGGTGAATCCTTCACCCTGGCAGACGTCTCACTCGCTGTCACAT-3'